The following is an entry in ClinVar:

ClinVar aggregate classification (germline): Pathogenic (1 of 4 stars; one submission).

Conditions:
Deficiency of alpha-mannosidase (MANSA). Also called: Alpha-Mannosidosis; LYSOSOMAL ALPHA-D-MANNOSIDASE DEFICIENCY; Mannosidosis, alpha-, types I and II. Identifiers: Orphanet 61, MedGen C0024748, MONDO:0009561, OMIM 248500.

Submission:

Labcorp Genetics (formerly Invitae), Labcorp
Classification: Pathogenic for Deficiency of alpha-mannosidase. Last evaluated: 2023-03-14. Review status: criteria provided, single submitter. Criteria: Invitae Variant Classification Sherloc (09022015). Collection method: clinical testing. Allele origin: germline.
Comment: This sequence change creates a premature translational stop signal (p.Gln868Hisfs*62) in the MAN2B1 gene. It is expected to result in an absent or disrupted protein product. Loss-of-function variants in MAN2B1 are known to be pathogenic (PMID: 9915946, 22161967). This variant is not present in population databases (gnomAD no frequency). For these reasons, this variant has been classified as Pathogenic. This variant has not been reported in the literature in individuals affected with MAN2B1-related conditions.

Literature cited by the submitters: PubMed 9915946; PubMed 22161967.

NM_000528.4(MAN2B1):c.2604_2605del (p.Gln868fs)

Gene: MAN2B1 (mannosidase alpha class 2B member 1; minus strand). Cytogenetic location: 19p13.13.
Variant type: Deletion.
Coding change: c.2604_2605del on transcript NM_000528.4 (MANE Select); coding-DNA positions 2604 to 2605, 2 bases deleted (GG; older notation c.2604_2605delGG).
Protein change: p.Gln868fs; shifts the reading frame from glutamine 868.
Molecular consequence: frameshift variant.
Genome position (GRCh38, 1-based): chr19:12,648,234-12,648,235, CC deleted on the plus strand (GG on the coding strand, the reverse complement: MAN2B1 is on the minus strand). VCF-style (leftmost placement, unchanged base first): chr19-12648233-ACC-A. GRCh37 (hg19) VCF-style: chr19-12759047-ACC-A.
Other names: c.2601_2602del, p.Gln867fs (NM_001173498.2); short protein forms Q867fs, Q868fs.
Identifiers: ClinVar variation 2845993 (VCV002845993.3), dbSNP rs2512486445, ClinGen allele CA2739276532.
Genomic context (GRCh38, chr19:12,648,233, plus strand): 5'-ACCTGCGTGCGCGGAGGAGCCCCGAGATTGTAGGCGGCGCCGCCACCCGGGGCCAGCACC[ACC>A]TGAGGGGCCAGGACCTCCTGCTCCGCCAGGAGCCGGTGTCCGGCGGCTGCAGCCTGGGCT-3'